The following is an entry in ClinVar:

ClinVar aggregate classification (germline): Uncertain significance (1 of 4 stars; one submission).

Conditions:
Tay-Sachs disease (TSD). Also called: GM2 gangliosidosis, type 1; Hexosaminidase alpha-subunit deficiency (variant B); Sphingolipidosis, Tay-Sachs; Hexosaminidase A Deficiency; HEXA DEFICIENCY; HEXA Disorders. Identifiers: Orphanet 845, MedGen C0039373, MONDO:0010100, OMIM 272800.

Allele frequency attached by ClinVar (database versions not stated): gnomAD exomes below 0.00001.
gnomAD v4.1: 2 of 1,614,126 alleles (0.00012%); highest among the groups gnomAD compares: South Asian, 0.0011%; no homozygotes.

Submission:

Labcorp Genetics (formerly Invitae), Labcorp
Classification: Uncertain significance for Tay-Sachs disease. Last evaluated: 2018-04-12. Review status: criteria provided, single submitter. Criteria: Invitae Variant Classification Sherloc (09022015). Collection method: clinical testing. Allele origin: germline.
Comment: This sequence change replaces threonine with alanine at codon 263 of the HEXA protein (p.Thr263Ala). The threonine residue is highly conserved and there is a small physicochemical difference between threonine and alanine. This variant is not present in population databases (ExAC no frequency). This variant has not been reported in the literature in individuals with HEXA-related disease. Algorithms developed to predict the effect of missense changes on protein structure and function do not agree on the potential impact of this missense change (SIFT: "Tolerated"; PolyPhen-2: "Probably Damaging"; Align-GVGD: "Class C0"). In summary, the available evidence is currently insufficient to determine the role of this variant in disease. Therefore, it has been classified as a Variant of Uncertain Significance.

NM_000520.6(HEXA):c.787A>G (p.Thr263Ala)

Gene: HEXA (hexosaminidase subunit alpha; minus strand). Cytogenetic location: 15q23.
Variant type: single nucleotide variant.
Coding change: c.787A>G on transcript NM_000520.6 (MANE Select); coding-DNA position 787, A replaced by G.
Protein change: p.Thr263Ala; replaces threonine 263 with alanine.
Molecular consequence: missense variant. On other transcripts: non-coding transcript variant (1).
Genome position (GRCh38, 1-based): chr15:72,350,536, T>C on the plus strand (A>G on the coding strand, the complement: HEXA is on the minus strand). VCF-style: chr15-72350536-T-C. GRCh37 (hg19) VCF-style: chr15-72642877-T-C.
Other names: c.820A>G, p.Thr274Ala (NM_001318825.2); short protein forms T263A, T274A.
Identifiers: ClinVar variation 2168826 (VCV002168826.1), dbSNP rs2542526263, ClinGen allele CA393063023.
Genomic context (GRCh38, chr15:72,350,536, plus strand): 5'-CATAACAAGCAGAGTCCCTCTGGTCCCAGACATCATTCTTACCTGGTCCCCAGGACAAAG[T>C]GTGGCCAGGAGTGTCAAACTCTGCAAGCACACGGATACCCCGGAGCCGTGCGTATTCAAT-3'
Protein context (NP_000511.2, residues 253-273): VLAEFDTPGH[Thr263Ala]LSWGPGIPGL